The following is an entry in ClinVar:

NM_000128.4(F11):c.1746del (p.Lys582fs)

Genes: F11 (coagulation factor XI; plus strand), F11-AS1 (F11 antisense RNA 1; minus strand). Cytogenetic location: 4q35.2.
Variant type: Deletion.
Coding change: c.1746del on transcript NM_000128.4 (MANE Select); coding-DNA position 1746, one base deleted (A; older notation c.1746delA).
Protein change: p.Lys582fs; shifts the reading frame from lysine 582.
Molecular consequence: frameshift variant. On other transcripts: non-coding transcript variant (1).
Genome position (GRCh38, 1-based): chr4:186,288,482, A deleted; the last of 3 consecutive A bases (chr4:186,288,480-186,288,482); deleting any one gives the same sequence. VCF-style (leftmost placement, unchanged base first): chr4-186288479-CA-C. GRCh37 (hg19) VCF-style: chr4-187209633-CA-C.
Other names: short protein forms K582fs.
Identifiers: ClinVar variation 1459564 (VCV001459564.6), dbSNP rs2126791111, ClinGen allele CA2573138194.
Genomic context (GRCh38, chr4:186,288,479, plus strand): 5'-TCTGTGCACCTTTTCTTGTCTCCCCTCGTTCTAGGGAGATTCGGGAGGCCCTCTGTCCTG[CA>C]AACACAATGAGGTCTGGCATCTGGTAGGCATCACGAGCTGGGGCGAAGGCTGTGCTCAAA-3'

ClinVar aggregate classification (germline): Pathogenic (1 of 4 stars; one submission).

Submission:

Labcorp Genetics (formerly Invitae), Labcorp
Classification: Pathogenic. Last evaluated: 2021-08-24. Review status: criteria provided, single submitter. Criteria: Invitae Variant Classification Sherloc (09022015). Collection method: clinical testing. Allele origin: germline.
Comment: For these reasons, this variant has been classified as Pathogenic. This variant disrupts a region of the F11 protein in which other variant(s) (p.Thr593Met) have been determined to be pathogenic (PMID: 14717969, 15749683, 27067486). This suggests that this is a clinically significant region of the protein, and that variants that disrupt it are likely to be disease-causing. This variant has not been reported in the literature in individuals affected with F11-related conditions. This variant is not present in population databases (ExAC no frequency). This sequence change creates a premature translational stop signal (p.Lys582Asnfs*9) in the F11 gene. While this is not anticipated to result in nonsense mediated decay, it is expected to disrupt the last 44 amino acid(s) of the F11 protein.

Literature cited by the submitters: PubMed 14717969; PubMed 15749683; PubMed 27067486.